The following is an entry in ClinVar:

NM_001244008.2(KIF1A):c.798+1G>A

Gene: KIF1A (kinesin family member 1A; minus strand). Cytogenetic location: 2q37.3.
Variant type: single nucleotide variant.
Coding change: c.798+1G>A on transcript NM_001244008.2 (MANE Select); the canonical splice donor site of the intron after coding-DNA position 798, G replaced by A.
Molecular consequence: splice donor variant.
Genome position (GRCh38, 1-based): chr2:240,783,738, C>T on the plus strand (G>A on the coding strand, the complement: KIF1A is on the minus strand). VCF-style: chr2-240783738-C-T. GRCh37 (hg19) VCF-style: chr2-241723155-C-T.
Other names: c.798+1G>A (NM_001379653.1, NM_001379650.1, NM_001379645.1 and 20 more transcripts).
Identifiers: ClinVar variation 423668 (VCV000423668.10), dbSNP rs1064796565, ClinGen allele CA16617511.
Genomic context (GRCh38, chr2:240,783,738, plus strand): 5'-CACCCACTCTGGAGCAGGCCAAATGTGGACACGGGTCCCCGCATGGCGGCCTGGCCCCTA[C>T]CTTGAGGCGCGTGCCCTTGGCTCCCGTGGAGTCAGCCCGCTCGCTCCCAGCCAGGTCCAC-3'

ClinVar aggregate classification (germline): Pathogenic/Likely pathogenic. Review status: criteria provided, multiple submitters, no conflicts (2 of 4 stars). 2 submissions from 2 submitters: Pathogenic (1); Likely pathogenic (1). Last evaluated 2025-01-15.

Conditions:
Hereditary spastic paraplegia 30. Identifiers: Orphanet 101010, MedGen C5235139, MONDO:0012476.
Neuropathy, hereditary sensory, type 2C. Also called: Hereditary sensory and autonomic neuropathy type IIC; KIF1A-Related HSAN2 (HSAN2C). Identifiers: Orphanet 970, MedGen C3280168, MONDO:0013634, OMIM 614213.
Intellectual disability, autosomal dominant 9 (NESCAVS). Also called: KIF1A-Related Neurodevelopmental Disorder; NESCAV SYNDROME. Identifiers: Orphanet 662367, MedGen C5393830, MONDO:0013656, OMIM 614255.

Submissions (2):

Labcorp Genetics (formerly Invitae), Labcorp
Classification: Pathogenic for Hereditary spastic paraplegia 30; Neuropathy, hereditary sensory, type 2C; Intellectual disability, autosomal dominant 9. Last evaluated: 2025-01-15. Review status: criteria provided, single submitter. Criteria: Invitae Variant Classification Sherloc (09022015). Collection method: clinical testing. Allele origin: germline.
Comment: This sequence change affects a donor splice site in intron 7 of the KIF1A gene. It is expected to disrupt RNA splicing. Variants that disrupt the donor or acceptor splice site typically lead to a loss of protein function (PMID: 16199547), and loss-of-function variants in KIF1A are known to be pathogenic (PMID: 21820098). This variant is not present in population databases (gnomAD no frequency). Disruption of this splice site has been observed in individual(s) with autosomal dominant KIF1A-associated neurological disorder (PMID: 33880452). In at least one individual the variant was observed to be de novo. ClinVar contains an entry for this variant (Variation ID: 423668). Algorithms developed to predict the effect of sequence changes on RNA splicing suggest that this variant may disrupt the consensus splice site. For these reasons, this variant has been classified as Pathogenic.

GeneDx
Classification: Likely pathogenic. Last evaluated: 2017-02-23. Review status: criteria provided, single submitter. Criteria: GeneDx Variant Classification (06012015). Collection method: clinical testing. Allele origin: germline. Affected: yes.
Comment: The c.798+1G>A variant in the KIF1A gene has not been reported previously as a pathogenic variant nor as a benign variant, to our knowledge. This splice site variant destroys the canonical splice donor site in intron 7. It is predicted to cause abnormal gene splicing, either leading to an abnormal message that is subject to nonsense-mediated mRNA decay, or to an abnormal protein product if the message is used for protein translation. The c.798+1G>A variant is not observed in large population cohorts (Lek et al., 2016; 1000 Genomes Consortium et al., 2015; Exome Variant Server). We interpret c.798+1G>A as a likely pathogenic variant.

Literature cited by the submitters: PubMed 16199547 (cited by Labcorp Genetics (formerly Invitae), Labcorp); PubMed 21820098 (cited by Labcorp Genetics (formerly Invitae), Labcorp); PubMed 33880452 (cited by Labcorp Genetics (formerly Invitae), Labcorp).